The following is an entry in ClinVar:

ClinVar aggregate classification (germline): Uncertain significance. Review status: criteria provided, multiple submitters, no conflicts (2 of 4 stars). 6 submissions from 6 submitters: Uncertain significance (5). 1 of the submissions does not count toward it. Last evaluated 2026-08-24.

Conditions:
Inborn genetic diseases. Identifiers: MedGen C0950123, MeSH D030342.
Neuronal ceroid lipofuscinosis 1 (CLN1). Also called: PPT1-Related Neuronal Ceroid-Lipofuscinosis; CEROID LIPOFUSCINOSIS, NEURONAL, 1, VARIABLE AGE AT ONSET. Identifiers: Orphanet 228329, MedGen C1850451, MONDO:0009744, OMIM 256730.

Allele frequency attached by ClinVar (database versions not stated): gnomAD 0.00008 and 0.00009; gnomAD exomes 0.00008 and 0.00012; TOPMed 0.00009; ExAC 0.00012; ESP Exome Variant Server 0.00015.
gnomAD v4.1: 190 of 1,614,070 alleles (0.012%); highest among the groups gnomAD compares: Non-Finnish European, 0.015%; no homozygotes.

Submissions (6):

GeneDx
Classification: Uncertain significance. Last evaluated: 2026-08-24. Review status: criteria provided, single submitter. Criteria: GeneDx Variant Classification Process June 2021. Collection method: clinical testing. Allele origin: germline.
Comment: In silico analysis supports that this missense variant has a deleterious effect on protein structure/function; Has not been previously published as pathogenic or benign to our knowledge; This variant is associated with the following publications: (PMID: 25741868)

Blueprint Genetics
Classification: Uncertain significance. Last evaluated: 2024-04-23. Review status: criteria provided, single submitter. Criteria: ACMG Guidelines, 2015. Collection method: clinical testing. Allele origin: germline.

Labcorp Genetics (formerly Invitae), Labcorp
Classification: Uncertain significance for Neuronal ceroid lipofuscinosis 1. Last evaluated: 2022-10-13. Review status: criteria provided, single submitter. Criteria: Invitae Variant Classification Sherloc (09022015). Collection method: clinical testing. Allele origin: germline.
Comment: This sequence change replaces arginine, which is basic and polar, with cysteine, which is neutral and slightly polar, at codon 268 of the PPT1 protein (p.Arg268Cys). This variant is present in population databases (rs200813294, gnomAD 0.02%). This variant has not been reported in the literature in individuals affected with PPT1-related conditions. ClinVar contains an entry for this variant (Variation ID: 449662). Advanced modeling of protein sequence and biophysical properties (such as structural, functional, and spatial information, amino acid conservation, physicochemical variation, residue mobility, and thermodynamic stability) performed at Invitae indicates that this missense variant is expected to disrupt PPT1 protein function. In summary, the available evidence is currently insufficient to determine the role of this variant in disease. Therefore, it has been classified as a Variant of Uncertain Significance.

Ambry Genetics
Classification: Uncertain significance for Inborn genetic diseases. Last evaluated: 2018-11-12. Review status: criteria provided, single submitter. Criteria: Ambry Variant Classification Scheme 2023. Collection method: clinical testing. Allele origin: germline.
Comment: The p.R268C variant (also known as c.802C>T), located in coding exon 9 of the PPT1 gene, results from a C to T substitution at nucleotide position 802. The arginine at codon 268 is replaced by cysteine, an amino acid with highly dissimilar properties. This amino acid position is highly conserved in available vertebrate species. In addition, this alteration is predicted to be deleterious by in silico analysis. Since supporting evidence is limited at this time, the clinical significance of this alteration remains unclear.

Fulgent Genetics
Classification: Uncertain significance for Neuronal ceroid lipofuscinosis 1. Last evaluated: 2018-10-31. Review status: criteria provided, single submitter. Criteria: ACMG Guidelines, 2015. Collection method: clinical testing. Allele origin: unknown.

Natera, Inc.
Classification: Uncertain significance for Neuronal ceroid lipofuscinosis 1. Last evaluated: 2020-09-16. Review status: no assertion criteria provided. Collection method: clinical testing. Allele origin: germline. Not counted in ClinVar's aggregate classification.

NM_000310.4(PPT1):c.802C>T (p.Arg268Cys)

Gene: PPT1 (palmitoyl-protein thioesterase 1; minus strand). Cytogenetic location: 1p34.2.
Variant type: single nucleotide variant.
Coding change: c.802C>T on transcript NM_000310.4 (MANE Select); coding-DNA position 802, C replaced by T.
Protein change: p.Arg268Cys; replaces arginine 268 with cysteine.
Molecular consequence: missense variant.
Genome position (GRCh38, 1-based): chr1:40,074,180, G>A on the plus strand (C>T on the coding strand, the complement: PPT1 is on the minus strand). VCF-style: chr1-40074180-G-A. GRCh37 (hg19) VCF-style: chr1-40539852-G-A.
Other names: c.493C>T, p.Arg165Cys (NM_001142604.2); c.730C>T, p.Arg244Cys (NM_001363695.2); short protein forms R268C, R244C, R165C.
Identifiers: ClinVar variation 449662 (VCV000449662.15), dbSNP rs200813294, ClinGen allele CA789553.